The following is an entry in ClinVar:

NM_017617.5(NOTCH1):c.2126A>G (p.His709Arg)

Gene: NOTCH1 (notch receptor 1; minus strand). Cytogenetic location: 9q34.3.
Variant type: single nucleotide variant.
Coding change: c.2126A>G on transcript NM_017617.5 (MANE Select); coding-DNA position 2126, A replaced by G.
Protein change: p.His709Arg; replaces histidine 709 with arginine.
Molecular consequence: missense variant.
Genome position (GRCh38, 1-based): chr9:136,514,591, T>C on the plus strand (A>G on the coding strand, the complement: NOTCH1 is on the minus strand). VCF-style: chr9-136514591-T-C. GRCh37 (hg19) VCF-style: chr9-139409043-T-C.
Other names: c.2126A>G, p.His709Arg (LRG_1122t1); short protein forms H709R.
Identifiers: ClinVar variation 520063 (VCV000520063.19), dbSNP rs373233257, ClinGen allele CA5341476.

ClinVar aggregate classification (germline): Conflicting classifications of pathogenicity. Review status: criteria provided, conflicting classifications (1 of 4 stars). 3 submissions from 3 submitters: Uncertain significance (2); Likely benign (1). Last evaluated 2025-10-11.

Conditions:
Adams-Oliver syndrome 5 (AOS5). Identifiers: Orphanet 974, MedGen C4014970, MONDO:0014459, OMIM 616028.
Familial thoracic aortic aneurysm and aortic dissection (TAAD). Also called: Thoracic aortic aneurysms and dissections. Identifiers: Orphanet 91387, MedGen C4707243, MONDO:0019625.

Allele frequency attached by ClinVar (database versions not stated): gnomAD 0.00003 and 0.00004; TOPMed 0.00005; gnomAD exomes 0.00007 and 0.00012; ExAC 0.00012; ESP Exome Variant Server 0.00016.
gnomAD v4.1: 181 of 1,608,536 alleles (0.011%); highest among the groups gnomAD compares: Non-Finnish European, 0.014%; no homozygotes.

Submissions (3):

Labcorp Genetics (formerly Invitae), Labcorp
Classification: Likely benign for Adams-Oliver syndrome 5. Last evaluated: 2025-10-11. Review status: criteria provided, single submitter. Criteria: Invitae Variant Classification Sherloc (09022015). Collection method: clinical testing. Allele origin: germline.

Ambry Genetics
Classification: Uncertain significance for Familial thoracic aortic aneurysm and aortic dissection. Last evaluated: 2024-06-14. Review status: criteria provided, single submitter. Criteria: Ambry Variant Classification Scheme 2023. Collection method: clinical testing. Allele origin: germline.
Comment: The p.H709R variant (also known as c.2126A>G), located in coding exon 13 of the NOTCH1 gene, results from an A to G substitution at nucleotide position 2126. The histidine at codon 709 is replaced by arginine, an amino acid with highly similar properties. This amino acid position is well conserved in available vertebrate species. In addition, the in silico prediction for this alteration is inconclusive. Since supporting evidence is limited at this time, the clinical significance of this alteration remains unclear.

GeneDx
Classification: Uncertain significance. Last evaluated: 2024-04-10. Review status: criteria provided, single submitter. Criteria: GeneDx Variant Classification Process June 2021. Collection method: clinical testing. Allele origin: germline. Affected: yes.
Comment: Has not been previously published as pathogenic or benign to our knowledge; In silico analysis supports that this missense variant has a deleterious effect on protein structure/function